The following is an entry in ClinVar:

ClinVar aggregate classification (germline): Uncertain significance (1 of 4 stars; one submission).

Submission:

CeGaT Center for Human Genetics Tuebingen
Classification: Uncertain significance. Last evaluated: 2023-07-01. Review status: criteria provided, single submitter. Criteria: CeGaT Center For Human Genetics Tuebingen Variant Classification Criteria Version 2. Collection method: clinical testing. Allele origin: germline. Affected: yes. Observed: 1 variant allele.
Comment: BRWD3: PM2

NM_153252.5(BRWD3):c.2945A>G (p.Glu982Gly)

Gene: BRWD3 (bromodomain and WD repeat domain containing 3; minus strand). Cytogenetic location: Xq21.1.
Variant type: single nucleotide variant.
Coding change: c.2945A>G on transcript NM_153252.5 (MANE Select); coding-DNA position 2945, A replaced by G.
Protein change: p.Glu982Gly; replaces glutamic acid 982 with glycine.
Molecular consequence: missense variant.
Genome position (GRCh38, 1-based): chrX:80,696,862, T>C on the plus strand (A>G on the coding strand, the complement: BRWD3 is on the minus strand). VCF-style: chrX-80696862-T-C. GRCh37 (hg19) VCF-style: chrX-79952361-T-C.
Other names: short protein forms E982G.
Identifiers: ClinVar variation 2579101 (VCV002579101.25), dbSNP rs2520250742, ClinGen allele CA413622107.
Genomic context (GRCh38, chrX:80,696,862, plus strand): 5'-CAGCACAGTGTGGGTGGGCCAACCTCATATTTGATTCCTACAATCTTAACAAACTCTTGC[T>C]CCTATTCATGAGAATACCAATAAATTATTACTTTCAATATAATTACTTAACATTTGTATA-3'
Protein context (NP_694984.5, residues 972-992): KQPWNKMDLR[Glu982Gly]QEFVKIVGIK